The following is an entry in ClinVar:

NC_000023.10:g.(?_106046084)_(108868249_?)del

Genes: PSMD10 (proteasome 26S subunit, non-ATPase 10; minus strand), KCNE5 (potassium voltage-gated channel subfamily E regulatory subunit 5; minus strand), RBM41 (RNA binding motif protein 41; minus strand), ATG4A (autophagy related 4A cysteine peptidase; plus strand), CLDN2 (claudin 2; plus strand) and 16 more. Cytogenetic location: Xq22.3-23.
Variant type: Deletion.
Identifiers: ClinVar variation 2424529 (VCV002424529.4).

ClinVar aggregate classification (germline): Pathogenic (1 of 4 stars; one submission).

Conditions:
Charcot-Marie-Tooth Neuropathy X. Identifiers: MedGen CN118851.

Submission:

Labcorp Genetics (formerly Invitae), Labcorp
Classification: Pathogenic for Charcot-Marie-Tooth Neuropathy X. Last evaluated: 2022-08-15. Review status: criteria provided, single submitter. Criteria: Invitae Variant Classification Sherloc (09022015). Collection method: clinical testing. Allele origin: germline.
Comment: A gross deletion of the genomic region encompassing the full coding sequence of the PRPS1 gene has been identified. Loss-of-function variants in PRPS1 are known to be pathogenic (PMID: 24528855). The boundaries of this event are unknown as they extend beyond the assayed region for this gene and therefore may encompass additional genes. This variant has not been reported in the literature in individuals affected with PRPS1-related conditions. For these reasons, this variant has been classified as Pathogenic.

Literature cited by the submitters: PubMed 24528855.